The following is an entry in ClinVar:

NM_001005498.4(RHBDF2):c.1744A>G (p.Thr582Ala)

Gene: RHBDF2 (rhomboid 5 homolog 2; minus strand). Cytogenetic location: 17q25.1.
Variant type: single nucleotide variant.
Coding change: c.1744A>G on transcript NM_001005498.4 (MANE Select); coding-DNA position 1744, A replaced by G.
Protein change: p.Thr582Ala; replaces threonine 582 with alanine.
Molecular consequence: missense variant. On other transcripts: non-coding transcript variant (3).
Genome position (GRCh38, 1-based): chr17:76,473,317, T>C on the plus strand (A>G on the coding strand, the complement: RHBDF2 is on the minus strand). VCF-style: chr17-76473317-T-C. GRCh37 (hg19) VCF-style: chr17-74469399-T-C.
Other names: c.1744A>G, p.Thr582Ala (NM_001376228.1, NM_001376229.1, NM_001376230.1); c.1831A>G, p.Thr611Ala (NM_024599.5); short protein forms T582A, T611A.
Identifiers: ClinVar variation 3610486 (VCV003610486.2).

ClinVar aggregate classification (germline): Uncertain significance (1 of 4 stars; one submission).

gnomAD v4.1: 4 of 1,611,788 alleles (0.00025%); highest among the groups gnomAD compares: Non-Finnish European, 0.00034%; no homozygotes.

Submission:

Labcorp Genetics (formerly Invitae), Labcorp
Classification: Uncertain significance. Last evaluated: 2024-05-29. Review status: criteria provided, single submitter. Criteria: Invitae Variant Classification Sherloc (09022015). Collection method: clinical testing. Allele origin: germline.
Comment: This sequence change replaces threonine, which is neutral and polar, with alanine, which is neutral and non-polar, at codon 611 of the RHBDF2 protein (p.Thr611Ala). This variant is not present in population databases (gnomAD no frequency). This variant has not been reported in the literature in individuals affected with RHBDF2-related conditions. An algorithm developed to predict the effect of missense changes on protein structure and function (PolyPhen-2) suggests that this variant is likely to be tolerated. In summary, the available evidence is currently insufficient to determine the role of this variant in disease. Therefore, it has been classified as a Variant of Uncertain Significance.